The following is an entry in ClinVar:

NM_015506.3(MMACHC):c.315C>A (p.Tyr105Ter)

Gene: MMACHC (metabolism of cobalamin associated C; plus strand). Cytogenetic location: 1p34.1.
Variant type: single nucleotide variant.
Coding change: c.315C>A on transcript NM_015506.3 (MANE Select); coding-DNA position 315, C replaced by A.
Protein change: p.Tyr105Ter; replaces tyrosine 105 with a stop codon.
Molecular consequence: nonsense.
Genome position (GRCh38, 1-based): chr1:45,508,250, C>A. VCF-style: chr1-45508250-C-A. GRCh37 (hg19) VCF-style: chr1-45973922-C-A.
Other names: c.144C>A, p.Tyr48Ter (NM_001330540.2); short protein forms Y105*, Y48*.
Identifiers: ClinVar variation 1368644 (VCV001368644.11), dbSNP rs528744719, ClinGen allele CA340132173.

ClinVar aggregate classification (germline): Pathogenic/Likely pathogenic. Review status: criteria provided, multiple submitters, no conflicts (2 of 4 stars). 3 submissions from 3 submitters: Pathogenic (2); Likely pathogenic (1). Last evaluated 2025-08-07.

Conditions:
Cobalamin C disease. Also called: methylmalonic aciduria and homocystinuria type cblC; Methylmalonic aciduria with homocystinuria cblC type; Cobalamin-C methylmalonic acidemia and homocystinuria; Methylmalonic acidemia and homocystinuria cblC type; Methylmalonic aciduria and homocystinuria, Vitamin B12-responsive; Vitamin B12 metabolic defect with combined deficiency of methylmalonyl-CoA mutase and homocysteine:methyltetrahydrofolate methyltransferase. Identifiers: Orphanet 26, Orphanet 79282, MedGen C1848561, MONDO:0010184, OMIM 277400.

Submissions (3):

Dasa
Classification: Likely pathogenic. Last evaluated: 2025-08-07. Review status: criteria provided, single submitter. Criteria: DASA Assertion Criteria. Collection method: clinical testing. Allele origin: germline.
Comment: NM_015506.3(MMACHC):c.315C>A (p.Tyr105*) is a nonsense variant in MMACHC predicted to introduce a premature termination codon and is predicted to result in an absent or altered protein product. Loss of function is an established disease mechanism for MMACHC-associated disorders. Also, this variant is absent from population databases. Based on the currently available evidence, this variant is classified as likely pathogenic.

Baylor Genetics
Classification: Pathogenic for Cobalamin C disease. Last evaluated: 2023-01-05. Review status: criteria provided, single submitter. Criteria: ACMG Guidelines, 2015. Collection method: clinical testing. Allele origin: unknown.

Labcorp Genetics (formerly Invitae), Labcorp
Classification: Pathogenic for Cobalamin C disease. Last evaluated: 2021-02-10. Review status: criteria provided, single submitter. Criteria: Invitae Variant Classification Sherloc (09022015). Collection method: clinical testing. Allele origin: germline.
Comment: This sequence change creates a premature translational stop signal (p.Tyr105*) in the MMACHC gene. It is expected to result in an absent or disrupted protein product. Loss-of-function variants in MMACHC are known to be pathogenic (PMID: 16311595). This variant is not present in population databases (ExAC no frequency). This nonsense change has been observed in individual(s) with combined methylmalonic aciduria and homocystinuria (PMID: 20631720). For these reasons, this variant has been classified as Pathogenic.

Literature cited by the submitters: PubMed 16311595 (cited by Labcorp Genetics (formerly Invitae), Labcorp); PubMed 20631720 (cited by Labcorp Genetics (formerly Invitae), Labcorp).